The following is an entry in ClinVar:

ClinVar aggregate classification (germline): Likely benign (1 of 4 stars; one submission).

Submission:

CeGaT Center for Human Genetics Tuebingen
Classification: Likely benign. Last evaluated: 2024-07-01. Review status: criteria provided, single submitter. Criteria: CeGaT Center For Human Genetics Tuebingen Variant Classification Criteria Version 2. Collection method: clinical testing. Allele origin: germline. Affected: yes. Observed: 1 variant allele.
Comment: KRT77: PM2:Supporting, BP4, BP7

NM_175078.3(KRT77):c.1284G>T (p.Leu428=)

Gene: KRT77 (keratin 77; minus strand). Cytogenetic location: 12q13.13.
Variant type: single nucleotide variant.
Coding change: c.1284G>T on transcript NM_175078.3 (MANE Select); coding-DNA position 1284, G replaced by T.
Protein change: p.Leu428=; no amino-acid change (leucine 428 retained).
Molecular consequence: synonymous variant.
Genome position (GRCh38, 1-based): chr12:52,692,564, C>A on the plus strand (G>T on the coding strand, the complement: KRT77 is on the minus strand). VCF-style: chr12-52692564-C-A. GRCh37 (hg19) VCF-style: chr12-53086348-C-A.
Identifiers: ClinVar variation 3257520 (VCV003257520.17).
Genomic context (GRCh38, chr12:52,692,564, plus strand): 5'-GTCACGCAGCAGCCGGGCCAGCTCCTCCTTGGACTGCTGCAGGGCCTCCTCCAGGTCCTG[C>A]AGCTTCTGCCACGCATCCTGGAGGGCCTGCTCGCCTCTCTCCTCAGCATCCGAAATGAGT-3'
Protein context (NP_778253.2, residues 418-438): EQALQDAWQK[Leu428=]QDLEEALQQS